The following is an entry in ClinVar:

ClinVar aggregate classification (germline): Uncertain significance (1 of 4 stars; one submission).

Conditions:
Breast-ovarian cancer, familial, susceptibility to, 4. Identifiers: Orphanet 145, MedGen C3280345, MONDO:0013669, OMIM 614291.

Submission:

Labcorp Genetics (formerly Invitae), Labcorp
Classification: Uncertain significance for Breast-ovarian cancer, familial, susceptibility to, 4. Last evaluated: 2019-12-19. Review status: criteria provided, single submitter. Criteria: Invitae Variant Classification Sherloc (09022015). Collection method: clinical testing. Allele origin: germline.
Comment: This sequence change replaces aspartic acid with valine at codon 156 of the RAD51D protein (p.Asp156Val). The aspartic acid residue is moderately conserved and there is a large physicochemical difference between aspartic acid and valine. This variant is not present in population databases (ExAC no frequency). In summary, the available evidence is currently insufficient to determine the role of this variant in disease. Therefore, it has been classified as a Variant of Uncertain Significance. Algorithms developed to predict the effect of sequence changes on RNA splicing suggest that this variant may create or strengthen a splice site, but this prediction has not been confirmed by published transcriptional studies. Algorithms developed to predict the effect of missense changes on protein structure and function are either unavailable or do not agree on the potential impact of this missense change (SIFT: "Deleterious"; PolyPhen-2: "Possibly Damaging"; Align-GVGD: "Class C0"). This variant has not been reported in the literature in individuals with RAD51D-related conditions.

NM_002878.4(RAD51D):c.467A>T (p.Asp156Val)

Genes: RAD51L3-RFFL (RAD51L3-RFFL readthrough; minus strand), RAD51D (RAD51 paralog D; minus strand). Cytogenetic location: 17q12.
Variant type: single nucleotide variant.
Coding change: c.467A>T on transcript NM_002878.4 (MANE Select); coding-DNA position 467, A replaced by T.
Protein change: p.Asp156Val; replaces aspartic acid 156 with valine.
Molecular consequence: missense variant. On other transcripts: non-coding transcript variant (1), intron variant (1).
Genome position (GRCh38, 1-based): chr17:35,107,001, T>A on the plus strand (A>T on the coding strand, the complement: RAD51D is on the minus strand). VCF-style: chr17-35107001-T-A. GRCh37 (hg19) VCF-style: chr17-33434020-T-A.
Other names: c.527A>T, p.Asp176Val (NM_001142571.2); c.145-520A>T (NM_133629.3); short protein forms D156V, D176V.
Identifiers: ClinVar variation 843274 (VCV000843274.8), dbSNP rs2091612637, ClinGen allele CA399089169.